The following is an entry in ClinVar:

ClinVar aggregate classification (germline): Likely benign. Review status: criteria provided, single submitter (1 of 4 stars). 2 submissions from 2 submitters: Likely benign (1). 1 of the submissions does not count toward it. Last evaluated 2026-01-15.

Conditions:
WDR35-related disorder. Also called: WDR35-related disorders; WDR35-related condition. Identifiers: MedGen CN239419.
Cranioectodermal dysplasia 2 (CED2). Identifiers: Orphanet 1515, MedGen C3150874, MONDO:0013323, OMIM 613610.
Short-rib thoracic dysplasia 7 with or without polydactyly (SRTD7). Also called: Short rib polydactyly syndrome 5; SHORT-RIB THORACIC DYSPLASIA 7 WITH POLYDACTYLY. Identifiers: Orphanet 498497, Orphanet 93271, MedGen C3279792, MONDO:0013569, OMIM 614091.

Allele frequency attached by ClinVar (database versions not stated): gnomAD exomes 0.00003 and 0.00016; gnomAD 0.00009 and 0.00010; TOPMed 0.00019; ExAC 0.00036; 1000 Genomes Project 0.00040; 1000 Genomes Project 30x 0.00062.
gnomAD v4.1: 66 of 1,573,576 alleles (0.0042%); highest among the groups gnomAD compares: East Asian, 0.13%; 1 homozygote.

Submissions (2):

Labcorp Genetics (formerly Invitae), Labcorp
Classification: Likely benign for Cranioectodermal dysplasia 2; Short-rib thoracic dysplasia 7 with or without polydactyly. Last evaluated: 2026-01-15. Review status: criteria provided, single submitter. Criteria: Invitae Variant Classification Sherloc (09022015). Collection method: clinical testing. Allele origin: germline.

PreventionGenetics, part of Exact Sciences
Classification: Likely benign for WDR35-related condition. Last evaluated: 2024-07-15. Review status: no assertion criteria provided. Collection method: clinical testing. Allele origin: germline. Not counted in ClinVar's aggregate classification.
Comment: This variant is classified as likely benign based on ACMG/AMP sequence variant interpretation guidelines (Richards et al. 2015 PMID: 25741868, with internal and published modifications).

NM_020779.4(WDR35):c.1861T>C (p.Ser621Pro)

Gene: WDR35 (WD repeat domain 35; minus strand). Cytogenetic location: 2p24.1.
Variant type: single nucleotide variant.
Coding change: c.1861T>C on transcript NM_020779.4 (MANE Select); coding-DNA position 1861, T replaced by C.
Protein change: p.Ser621Pro; replaces serine 621 with proline.
Molecular consequence: missense variant.
Genome position (GRCh38, 1-based): chr2:19,941,824, A>G on the plus strand (T>C on the coding strand, the complement: WDR35 is on the minus strand). VCF-style: chr2-19941824-A-G. GRCh37 (hg19) VCF-style: chr2-20141585-A-G.
Other names: c.1894T>C, p.Ser632Pro (NM_001006657.2); short protein forms S621P, S632P.
Identifiers: ClinVar variation 771285 (VCV000771285.9), dbSNP rs199882056, ClinGen allele CA1543096.